The following is an entry in ClinVar:

NM_001099667.3(ARMS2):c.8G>A (p.Arg3His)

Genes: HTRA1-AS1 (HTRA1 and ARMS2 antisense RNA 1; minus strand), ARMS2 (age-related maculopathy susceptibility 2; plus strand). Cytogenetic location: 10q26.13.
Variant type: single nucleotide variant.
Coding change: c.8G>A on transcript NM_001099667.3 (MANE Select); coding-DNA position 8, G replaced by A.
Protein change: p.Arg3His; replaces arginine 3 with histidine.
Molecular consequence: missense variant.
Genome position (GRCh38, 1-based): chr10:122,454,735, G>A. VCF-style: chr10-122454735-G-A. GRCh37 (hg19) VCF-style: chr10-124214251-G-A.
Other names: short protein forms R3H.
Identifiers: ClinVar variation 299028 (VCV000299028.6), dbSNP rs10490923, ClinGen allele CA5725712.

ClinVar aggregate classification (germline): Benign. Review status: criteria provided, multiple submitters, no conflicts (2 of 4 stars). 2 submissions from 2 submitters: Benign (2). Last evaluated 2018-01-13.

Conditions:
Age related macular degeneration 8. Identifiers: MedGen C3151070, MONDO:0013416, OMIM 613778.

Allele frequency attached by ClinVar (database versions not stated): 1000 Genomes Project 30x 0.07480; 1000 Genomes Project 0.07508; TOPMed 0.08801; gnomAD 0.09089 and 0.09226; ESP Exome Variant Server 0.09869; gnomAD exomes 0.10524 and 0.11870; ExAC 0.10670.

Submissions (2):

Illumina Laboratory Services, Illumina
Classification: Benign for Age related macular degeneration 8. Last evaluated: 2018-01-13. Review status: criteria provided, single submitter. Criteria: ICSL Variant Classification Criteria 13 December 2019. Collection method: clinical testing. Allele origin: germline.
Comment: This variant was observed in the ICSL laboratory as part of a predisposition screen in an ostensibly healthy population. It had not been previously curated by ICSL or reported in the Human Gene Mutation Database (HGMD: prior to June 1st, 2018), and was therefore a candidate for classification through an automated scoring system. Utilizing variant allele frequency, disease prevalence and penetrance estimates, and inheritance mode, an automated score was calculated to assess if this variant is too frequent to cause the disease. Based on the score and internal cut-off values, a variant classified as benign is not then subjected to further curation. The score for this variant resulted in a classification of benign for this disease.

Breakthrough Genomics
Classification: Benign. Review status: criteria provided, single submitter. Criteria: ACMG Guidelines, 2015. Collection method: not provided. Allele origin: germline. Inheritance: Unknown mechanism. Affected: yes.